The following is an entry in ClinVar:

ClinVar aggregate classification (germline): Uncertain significance (1 of 4 stars; one submission).

Conditions:
Cardiac arrhythmia. Also called: Cardiac rhythm disease; Arrhythmia. Identifiers: MedGen C0003811, MONDO:0007263, HP:0011675.

Allele frequency attached by ClinVar (database versions not stated): TOPMed 0.00002; gnomAD 0.00001.
gnomAD v4.1: 6 of 1,613,358 alleles (0.00037%); highest among the groups gnomAD compares: Non-Finnish European, 0.00051%; no homozygotes.

Submission:

Labcorp Genetics (formerly Invitae), Labcorp
Classification: Uncertain significance for Cardiac arrhythmia. Last evaluated: 2022-10-26. Review status: criteria provided, single submitter. Criteria: Invitae Variant Classification Sherloc (09022015). Collection method: clinical testing. Allele origin: germline.
Comment: This sequence change replaces alanine, which is neutral and non-polar, with threonine, which is neutral and polar, at codon 64 of the RANGRF protein (p.Ala64Thr). This variant is not present in population databases (gnomAD no frequency). This variant has not been reported in the literature in individuals affected with RANGRF-related conditions. Algorithms developed to predict the effect of missense changes on protein structure and function are either unavailable or do not agree on the potential impact of this missense change (SIFT: "Tolerated"; PolyPhen-2: "Possibly Damaging"; Align-GVGD: "Class C0"). In summary, the available evidence is currently insufficient to determine the role of this variant in disease. Therefore, it has been classified as a Variant of Uncertain Significance.

NM_016492.5(RANGRF):c.190G>A (p.Ala64Thr)

Genes: RANGRF (RAN guanine nucleotide release factor; plus strand), SLC25A35 (solute carrier family 25 member 35; minus strand). Cytogenetic location: 17p13.1.
Variant type: single nucleotide variant.
Coding change: c.190G>A on transcript NM_016492.5 (MANE Select); coding-DNA position 190, G replaced by A.
Protein change: p.Ala64Thr; replaces alanine 64 with threonine.
Molecular consequence: missense variant. On other transcripts: 3 prime UTR variant (2), non-coding transcript variant (2), intron variant (1).
Genome position (GRCh38, 1-based): chr17:8,289,068, G>A. VCF-style: chr17-8289068-G-A. GRCh37 (hg19) VCF-style: chr17-8192386-G-A.
Other names: c.190G>A, p.Ala64Thr (NM_001177801.2, NM_001177802.2, NM_001330127.2); c.*415C>T (NM_001320872.2); c.*548C>T (NM_201520.3); c.*42+506C>T (NM_001320871.2); short protein forms A64T.
Identifiers: ClinVar variation 2157756 (VCV002157756.3), dbSNP rs781629730, ClinGen allele CA8374341.